The following is an entry in ClinVar:

ClinVar aggregate classification (germline): Uncertain significance. Review status: criteria provided, single submitter (1 of 4 stars). 2 submissions from 2 submitters: Uncertain significance (1). 1 of the submissions does not count toward it. Last evaluated 2022-08-22.

Conditions:
MHC class II deficiency. Also called: BLS, TYPE II; Bare lymphocyte syndrome 2. Identifiers: Orphanet 572, MedGen C5447452, MONDO:0008855.

Allele frequency attached by ClinVar (database versions not stated): ExAC 0.00001; gnomAD 0.00001; gnomAD exomes 0.00001; TOPMed 0.00001.
gnomAD v4.1: 20 of 1,612,664 alleles (0.0012%); highest among the groups gnomAD compares: Admixed American, 0.0033%; no homozygotes.

Submissions (2):

Labcorp Genetics (formerly Invitae), Labcorp
Classification: Uncertain significance for MHC class II deficiency. Last evaluated: 2022-08-22. Review status: criteria provided, single submitter. Criteria: Invitae Variant Classification Sherloc (09022015). Collection method: clinical testing. Allele origin: germline.
Comment: This sequence change replaces glutamic acid, which is acidic and polar, with lysine, which is basic and polar, at codon 352 of the CIITA protein (p.Glu352Lys). This variant is present in population databases (rs752576726, gnomAD 0.003%). This variant has not been reported in the literature in individuals affected with CIITA-related conditions. ClinVar contains an entry for this variant (Variation ID: 1016621). Algorithms developed to predict the effect of missense changes on protein structure and function output the following: SIFT: "Tolerated"; PolyPhen-2: "Benign"; Align-GVGD: "Class C0". The lysine amino acid residue is found in multiple mammalian species, which suggests that this missense change does not adversely affect protein function. In summary, the available evidence is currently insufficient to determine the role of this variant in disease. Therefore, it has been classified as a Variant of Uncertain Significance.

Natera, Inc.
Classification: Uncertain significance for Bare lymphocyte syndrome type II. Last evaluated: 2020-06-02. Review status: no assertion criteria provided. Collection method: clinical testing. Allele origin: germline. Not counted in ClinVar's aggregate classification.

NM_000246.4(CIITA):c.1054G>A (p.Glu352Lys)

Gene: CIITA (class II major histocompatibility complex transactivator; plus strand). Cytogenetic location: 16p13.13.
Variant type: single nucleotide variant.
Coding change: c.1054G>A on transcript NM_000246.4 (MANE Select); coding-DNA position 1054, G replaced by A.
Protein change: p.Glu352Lys; replaces glutamic acid 352 with lysine.
Molecular consequence: missense variant. On other transcripts: intron variant (1).
Genome position (GRCh38, 1-based): chr16:10,906,546, G>A. VCF-style: chr16-10906546-G-A. GRCh37 (hg19) VCF-style: chr16-11000403-G-A.
Other names: c.1057G>A, p.Glu353Lys (NM_001286402.1, NM_001379332.1); c.910G>A, p.Glu304Lys (NM_001379330.1); c.907G>A, p.Glu303Lys (NM_001379331.1); c.1054G>A, p.Glu352Lys (NM_001379333.1); c.985G>A, p.Glu329Lys (NM_001379334.1); c.859+1734G>A (NM_001286403.2); short protein forms E303K, E304K, E329K, E352K, E353K.
Identifiers: ClinVar variation 1016621 (VCV001016621.10), dbSNP rs752576726, ClinGen allele CA7900045.
Genomic context (GRCh38, chr16:10,906,546, plus strand): 5'-CTGGCCTTTGCAGAGCCGGTGGAGCAGTTCTACCGCTCACTGCAGGACACGTATGGTGCC[G>A]AGCCCGCAGGCCCGGATGGCATCCTAGTGGAGGTGGATCTGGTGCAGGCCAGGCTGGAGA-3'
Protein context (NP_000237.2, residues 342-362): YRSLQDTYGA[Glu352Lys]PAGPDGILVE